The following is an entry in ClinVar:

ClinVar aggregate classification (germline): Uncertain significance. Review status: criteria provided, multiple submitters, no conflicts (2 of 4 stars). 11 submissions from 10 submitters: Uncertain significance (10). 1 of the submissions does not count toward it. Last evaluated 2024-12-25.

Conditions:
Usher syndrome type 1D (USH1D). Also called: USHER SYNDROME, TYPE ID. Identifiers: Orphanet 231169, Orphanet 886, MedGen C1832845, MONDO:0010984, OMIM 601067.
Autosomal recessive nonsyndromic hearing loss 12. Also called: DEAFNESS, AUTOSOMAL RECESSIVE 12. Identifiers: Orphanet 90636, MedGen C1832394, MONDO:0011067, OMIM 601386.
Pituitary adenoma 5, multiple types. Identifiers: MedGen C4539685, MONDO:0054601, OMIM 617540.
Inborn genetic diseases. Identifiers: MedGen C0950123, MeSH D030342.
Usher syndrome type 1 (USH1). Also called: RETINITIS PIGMENTOSA AND CONGENITAL DEAFNESS. Identifiers: Orphanet 231169, Orphanet 886, MedGen C1568247, MONDO:0010168, OMIM 276900.

Allele frequency attached by ClinVar (database versions not stated): ExAC 0.00006; TOPMed 0.00004; ESP Exome Variant Server 0.00016.
gnomAD v4.1: 41 of 1,596,580 alleles (0.0026%); highest among the groups gnomAD compares: Middle Eastern, 0.083%; no homozygotes.

Submissions (11):

Laboratory of Prof. Karen Avraham, Tel Aviv University
Classification: Uncertain significance for Autosomal recessive nonsyndromic hearing loss 12. Last evaluated: 2024-12-25. Review status: criteria provided, single submitter. Criteria: ACMG Guidelines, 2015. Collection method: research. Allele origin: germline. Affected: yes. Observed: 1 variant allele.
Comment: The CDH23 c.7849G>C:p.(Gly2617Arg) variant is extremely rare and predicted deleterious.

Labcorp Genetics (formerly Invitae), Labcorp
Classification: Uncertain significance. Last evaluated: 2024-09-09. Review status: criteria provided, single submitter. Criteria: Invitae Variant Classification Sherloc (09022015). Collection method: clinical testing. Allele origin: germline.
Comment: This sequence change replaces glycine, which is neutral and non-polar, with arginine, which is basic and polar, at codon 2617 of the CDH23 protein (p.Gly2617Arg). This variant is present in population databases (rs369379727, gnomAD 0.006%). This variant has not been reported in the literature in individuals affected with CDH23-related conditions. ClinVar contains an entry for this variant (Variation ID: 944185). Invitae Evidence Modeling of protein sequence and biophysical properties (such as structural, functional, and spatial information, amino acid conservation, physicochemical variation, residue mobility, and thermodynamic stability) indicates that this missense variant is not expected to disrupt CDH23 protein function with a negative predictive value of 95%. In summary, the available evidence is currently insufficient to determine the role of this variant in disease. Therefore, it has been classified as a Variant of Uncertain Significance.

Blueprint Genetics
Classification: Uncertain significance. Last evaluated: 2024-03-14. Review status: criteria provided, single submitter. Criteria: ACMG Guidelines, 2015. Collection method: clinical testing. Allele origin: germline.

GeneDx
Classification: Uncertain significance. Last evaluated: 2024-02-28. Review status: criteria provided, single submitter. Criteria: GeneDx Variant Classification Process June 2021. Collection method: clinical testing. Allele origin: germline. Affected: yes.
Comment: Not observed at significant frequency in large population cohorts (gnomAD); In silico analysis supports that this missense variant does not alter protein structure/function; Has not been previously published as pathogenic or benign to our knowledge

Clinical Genetics Laboratory, Skane University Hospital Lund
Classification: Uncertain significance. Last evaluated: 2022-05-27. Review status: criteria provided, single submitter. Criteria: ACMG Guidelines, 2015. Collection method: clinical testing. Allele origin: germline. Affected: yes.

Ambry Genetics
Classification: Uncertain significance for Inborn genetic diseases. Last evaluated: 2021-09-16. Review status: criteria provided, single submitter. Criteria: Ambry Variant Classification Scheme 2023. Collection method: clinical testing. Allele origin: germline.

Fulgent Genetics
Classification: Uncertain significance for Usher syndrome type 1D; Autosomal recessive nonsyndromic hearing loss 12; Pituitary adenoma 5, multiple types. Last evaluated: 2021-09-07. Review status: criteria provided, single submitter. Criteria: ACMG Guidelines, 2015. Collection method: clinical testing. Allele origin: unknown.

Genome-Nilou Lab
Classification: Uncertain significance for Autosomal recessive nonsyndromic hearing loss 12. Last evaluated: 2021-07-22. Review status: criteria provided, single submitter. Criteria: ACMG Guidelines, 2015. Collection method: clinical testing. Allele origin: germline. Affected: no.

Genome-Nilou Lab
Classification: Uncertain significance for Usher syndrome type 1D. Last evaluated: 2021-07-22. Review status: criteria provided, single submitter. Criteria: ACMG Guidelines, 2015. Collection method: clinical testing. Allele origin: germline. Affected: no.

Breakthrough Genomics
Classification: Uncertain significance. Review status: criteria provided, single submitter. Criteria: ACMG Guidelines, 2015. Collection method: not provided. Allele origin: germline. Inheritance: Autosomal recessive inheritance. Affected: yes.

Natera, Inc.
Classification: Uncertain significance for Usher syndrome type 1. Last evaluated: 2020-01-18. Review status: no assertion criteria provided. Collection method: clinical testing. Allele origin: germline. Not counted in ClinVar's aggregate classification.

NM_022124.6(CDH23):c.7849G>C (p.Gly2617Arg)

Gene: CDH23 (cadherin related 23; plus strand). Cytogenetic location: 10q22.1.
Variant type: single nucleotide variant.
Coding change: c.7849G>C on transcript NM_022124.6 (MANE Select); coding-DNA position 7849, G replaced by C.
Protein change: p.Gly2617Arg; replaces glycine 2617 with arginine.
Molecular consequence: missense variant.
Genome position (GRCh38, 1-based): chr10:71,803,397, G>C. VCF-style: chr10-71803397-G-C. GRCh37 (hg19) VCF-style: chr10-73563154-G-C.
Other names: DFNB12; c.1129G>C, p.Gly377Arg (NM_001171933.1, NM_001171934.1); short protein forms G2617R, G377R.
Identifiers: ClinVar variation 944185 (VCV000944185.15), dbSNP rs369379727, ClinGen allele CA5546451.